The following is an entry in ClinVar:

NM_014055.4(IFT81):c.2018G>A (p.Arg673Gln)

Gene: IFT81 (intraflagellar transport 81; plus strand). Cytogenetic location: 12q24.11.
Variant type: single nucleotide variant.
Coding change: c.2018G>A on transcript NM_014055.4 (MANE Select); coding-DNA position 2018, G replaced by A.
Protein change: p.Arg673Gln; replaces arginine 673 with glutamine.
Molecular consequence: missense variant. On other transcripts: non-coding transcript variant (4).
Genome position (GRCh38, 1-based): chr12:110,218,213, G>A. VCF-style: chr12-110218213-G-A. GRCh37 (hg19) VCF-style: chr12-110656018-G-A.
Other names: c.2018G>A, p.Arg673Gln (NM_001143779.2); c.1088G>A, p.Arg363Gln (NM_001347947.2, NM_001347948.2); short protein forms R363Q, R673Q.
Identifiers: ClinVar variation 1054974 (VCV001054974.8), dbSNP rs756693673, ClinGen allele CA6783551.
Genomic context (GRCh38, chr12:110,218,213, plus strand): 5'-TTCTGAAACAACAAAGCCAAACTTCCATTGGTCAGGTAATTCAGGAGGGTGGGGAGGACC[G>A]GCTAATACTGTGAATTCTTGTGTCATCGTTTGGGGTTTTACTTGATACCACTAGCTATAA-3'
Protein context (NP_054774.2, residues 663-676): GQVIQEGGED[Arg673Gln]LIL

ClinVar aggregate classification (germline): Uncertain significance (1 of 4 stars; one submission).

Allele frequency attached by ClinVar (database versions not stated): gnomAD exomes 0.00001 and 0.00003; ExAC 0.00004; gnomAD 0.00005 and 0.00006; TOPMed 0.00005.
gnomAD v4.1: 22 of 1,536,116 alleles (0.0014%); highest among the groups gnomAD compares: Admixed American, 0.0092%; no homozygotes.

Submission:

Labcorp Genetics (formerly Invitae), Labcorp
Classification: Uncertain significance. Last evaluated: 2023-10-13. Review status: criteria provided, single submitter. Criteria: Invitae Variant Classification Sherloc (09022015). Collection method: clinical testing. Allele origin: germline.
Comment: This sequence change replaces arginine, which is basic and polar, with glutamine, which is neutral and polar, at codon 673 of the IFT81 protein (p.Arg673Gln). This variant is present in population databases (rs756693673, gnomAD 0.01%). This variant has not been reported in the literature in individuals affected with IFT81-related conditions. ClinVar contains an entry for this variant (Variation ID: 1054974). An algorithm developed to predict the effect of missense changes on protein structure and function (PolyPhen-2) suggests that this variant is likely to be disruptive. In summary, the available evidence is currently insufficient to determine the role of this variant in disease. Therefore, it has been classified as a Variant of Uncertain Significance.